The following is an entry in ClinVar:

ClinVar aggregate classification (germline): Uncertain significance (1 of 4 stars; one submission).

Conditions:
Genitopatellar syndrome (GTPTS). Also called: ABSENT PATELLAE, SCROTAL HYPOPLASIA, RENAL ANOMALIES, FACIAL DYSMORPHISM, AND MENTAL RETARDATION; Genitopatellar syndrome (GPS). Identifiers: Orphanet 85201, MedGen C1853566, MONDO:0011640, OMIM 606170.

gnomAD v4.1: 3 of 1,613,718 alleles (0.00019%); highest among the groups gnomAD compares: African/African-American, 0.004%; no homozygotes.

Submission:

Labcorp Genetics (formerly Invitae), Labcorp
Classification: Uncertain significance for Genitopatellar syndrome. Last evaluated: 2024-08-08. Review status: criteria provided, single submitter. Criteria: Invitae Variant Classification Sherloc (09022015). Collection method: clinical testing. Allele origin: germline.
Comment: This sequence change replaces serine, which is neutral and polar, with arginine, which is basic and polar, at codon 1801 of the KAT6B protein (p.Ser1801Arg). This variant is not present in population databases (gnomAD no frequency). This variant has not been reported in the literature in individuals affected with KAT6B-related conditions. An algorithm developed to predict the effect of missense changes on protein structure and function (PolyPhen-2) suggests that this variant is likely to be disruptive. In summary, the available evidence is currently insufficient to determine the role of this variant in disease. Therefore, it has been classified as a Variant of Uncertain Significance.

NM_012330.4(KAT6B):c.5403T>G (p.Ser1801Arg)

Gene: KAT6B (lysine acetyltransferase 6B; plus strand). Cytogenetic location: 10q22.2.
Variant type: single nucleotide variant.
Coding change: c.5403T>G on transcript NM_012330.4 (MANE Select); coding-DNA position 5403, T replaced by G.
Protein change: p.Ser1801Arg; replaces serine 1801 with arginine.
Molecular consequence: missense variant.
Genome position (GRCh38, 1-based): chr10:75,030,227, T>G. VCF-style: chr10-75030227-T-G. GRCh37 (hg19) VCF-style: chr10-76789985-T-G.
Other names: c.4527T>G, p.Ser1509Arg (NM_001370139.1, NM_001370140.1, NM_001370141.1 and 2 more transcripts); c.4338T>G, p.Ser1446Arg (NM_001370143.1, NM_001370144.1); c.5403T>G, p.Ser1801Arg (NM_001370137.1, NM_001370136.1); c.4854T>G, p.Ser1618Arg (NM_001370138.1, NM_001256468.2); c.4365T>G, p.Ser1455Arg (NM_001370132.1); c.3714T>G, p.Ser1238Arg (NM_001370133.1); c.3318T>G, p.Ser1106Arg (NM_001370134.1); c.3060T>G, p.Ser1020Arg (NM_001370135.1); short protein forms S1020R, S1106R, S1238R, S1446R, S1455R, S1509R, S1618R, S1801R.
Identifiers: ClinVar variation 3626363 (VCV003626363.2).
Genomic context (GRCh38, chr10:75,030,227, plus strand): 5'-GGCTGAAATCCCCGAGACGAGCAACGCCAACATTGGCTTATACGAGCGAATGGGTCAGAG[T>G]GATTTTGGGGCTGGGCATTACCCGCAGCCGTCAGCCACCTTCAGCCTTGCCAAACTGCAG-3'
Protein context (NP_036462.2, residues 1791-1811): NIGLYERMGQ[Ser1801Arg]DFGAGHYPQP